The following is an entry in ClinVar:

NM_000108.5(DLD):c.199-6T>C

Gene: DLD (dihydrolipoamide dehydrogenase; plus strand). Cytogenetic location: 7q31.1.
Variant type: single nucleotide variant.
Coding change: c.199-6T>C on transcript NM_000108.5 (MANE Select); 6 bases into the intron before coding-DNA position 199, T replaced by C.
Molecular consequence: intron variant.
Genome position (GRCh38, 1-based): chr7:107,902,319, T>C. VCF-style: chr7-107902319-T-C. GRCh37 (hg19) VCF-style: chr7-107542764-T-C.
Other names: c.199-6T>C (NM_001289752.1); c.198+502T>C (NM_001289751.1); c.-30-1159T>C (NM_001289750.1).
Identifiers: ClinVar variation 680355 (VCV000680355.7), dbSNP rs1584462430, ClinGen allele CA915945409.

ClinVar aggregate classification (germline): Likely benign. Review status: criteria provided, multiple submitters, no conflicts (2 of 4 stars). 2 submissions from 2 submitters: Likely benign (2). Last evaluated 2023-05-28.

Conditions:
Pyruvate dehydrogenase E3 deficiency (DLDD). Also called: Dihydrolipoamide Dehydrogenase E3 Deficiency; Dihydrolipoamide Dehydrogenase (E3) Deficiency; DLD DEFICIENCY; E3 DEFICIENCY; Lipoamide dehydrogenase deficiency, lactic acidosis due to; Dihydrolipoamide Dehydrogenase Deficiency. Identifiers: Orphanet 2394, Orphanet 765, MedGen C5574660, MONDO:0009529, OMIM 246900.

Allele frequency attached by ClinVar (database versions not stated): gnomAD exomes below 0.00001.
gnomAD v4.1: 1 of 1,613,014 alleles (0.000062%); highest among the groups gnomAD compares: Admixed American, 0.0017%; no homozygotes.

Submissions (2):

Labcorp Genetics (formerly Invitae), Labcorp
Classification: Likely benign for Pyruvate dehydrogenase E3 deficiency. Last evaluated: 2023-05-28. Review status: criteria provided, single submitter. Criteria: Invitae Variant Classification Sherloc (09022015). Collection method: clinical testing. Allele origin: germline.

GeneDx
Classification: Likely benign. Last evaluated: 2018-03-19. Review status: criteria provided, single submitter. Criteria: GeneDx Variant Classification (06012015). Collection method: clinical testing. Allele origin: germline. Affected: yes.
Comment: This variant is considered likely benign or benign based on one or more of the following criteria: it is a conservative change, it occurs at a poorly conserved position in the protein, it is predicted to be benign by multiple in silico algorithms, and/or has population frequency not consistent with disease.